The following is an entry in ClinVar:

NM_052897.4(MBD6):c.1801del (p.Ser601fs)

Gene: MBD6 (methyl-CpG binding domain protein 6; plus strand). Cytogenetic location: 12q13.3.
Variant type: Deletion.
Coding change: c.1801del on transcript NM_052897.4 (MANE Select); coding-DNA position 1801, one base deleted (T; older notation c.1801delT).
Protein change: p.Ser601fs; shifts the reading frame from serine 601.
Molecular consequence: frameshift variant.
Genome position (GRCh38, 1-based): chr12:57,526,946, T deleted; the last of 2 consecutive T bases (chr12:57,526,945-57,526,946); deleting either gives the same sequence. VCF-style (leftmost placement, unchanged base first): chr12-57526944-CT-C. GRCh37 (hg19) VCF-style: chr12-57920727-CT-C.
Other names: short protein forms S601fs.
Identifiers: ClinVar variation 4995889 (VCV004995889.1).
Genomic context (GRCh38, chr12:57,526,944, plus strand): 5'-CAGGAGGACCTGGTCCTCCCCTAGCCCCAGGAGAGCCTGAAGGGCCTTCGCTTTTGGTGG[CT>C]TCCTTGCTTCCTCCACCACCCTCAGACCTTCTTCCACCTCCTTCAGCACCTCCCAGCAAC-3'

ClinVar aggregate classification (germline): Uncertain significance (1 of 4 stars; one submission).

Conditions:
MBD6-related disorder. Also called: MBD6-related condition.

Submission:

PreventionGenetics, part of Exact Sciences
Classification: Uncertain significance for MBD6-related condition. Last evaluated: 2026-03-09. Review status: criteria provided, single submitter. Criteria: ACMG Guidelines, 2015. Collection method: clinical testing. Allele origin: germline.
Comment: The MBD6 c.1801delT variant is predicted to result in a frameshift and premature protein termination (p.Ser601Profs*74). To our knowledge, this variant has not been reported in the literature or in a large population database (gnomAD), indicating this variant is rare. At this time, the clinical significance of this variant is uncertain due to the absence of conclusive functional and genetic evidence.